The following is an entry in ClinVar:

NM_001148.6(ANK2):c.10206A>C (p.Lys3402Asn)

Gene: ANK2 (ankyrin 2; plus strand). Cytogenetic location: 4q26.
Variant type: single nucleotide variant.
Coding change: c.10206A>C on transcript NM_001148.6 (MANE Select); coding-DNA position 10206, A replaced by C.
Protein change: p.Lys3402Asn; replaces lysine 3402 with asparagine.
Molecular consequence: missense variant. On other transcripts: intron variant (68).
Genome position (GRCh38, 1-based): chr4:113,358,824, A>C. VCF-style: chr4-113358824-A-C. GRCh37 (hg19) VCF-style: chr4-114279980-A-C.
Other names: c.9972A>C, p.Lys3324Asn (NM_001386142.1); c.6606A>C, p.Lys2202Asn (NM_001386166.1); c.10347A>C, p.Lys3449Asn (NM_001386174.1); c.10323A>C, p.Lys3441Asn (NM_001386175.1); c.4412-1999A>C (NM_001386186.2, NM_001386148.2); c.4214-1999A>C (NM_001354269.3); c.4292-1999A>C (NM_001386187.2); c.4253-1999A>C (NM_001386147.1); and 35 more; short protein forms K2202N, K3324N, K3402N, K3441N, K3449N.
Identifiers: ClinVar variation 1061090 (VCV001061090.5), dbSNP rs1442066284, ClinGen allele CA357939912.

ClinVar aggregate classification (germline): Uncertain significance (1 of 4 stars; one submission).

Conditions:
Long QT syndrome (LQTS). Identifiers: MedGen C0023976, MeSH D008133, MONDO:0002442. Disease mechanism: loss of function. Inheritance: Various modes of inheritance.

Submission:

Labcorp Genetics (formerly Invitae), Labcorp
Classification: Uncertain significance for Long QT syndrome. Last evaluated: 2020-03-03. Review status: criteria provided, single submitter. Criteria: Invitae Variant Classification Sherloc (09022015). Collection method: clinical testing. Allele origin: germline.
Comment: This variant has not been reported in the literature in individuals with ANK2-related conditions. In summary, the available evidence is currently insufficient to determine the role of this variant in disease. Therefore, it has been classified as a Variant of Uncertain Significance. Algorithms developed to predict the effect of missense changes on protein structure and function are either unavailable or do not agree on the potential impact of this missense change (SIFT: "Deleterious"; PolyPhen-2: "Benign"; Align-GVGD: "Class C0"). This variant is not present in population databases (ExAC no frequency). This sequence change replaces lysine with asparagine at codon 3402 of the ANK2 protein (p.Lys3402Asn). The lysine residue is moderately conserved and there is a moderate physicochemical difference between lysine and asparagine.